The following is an entry in ClinVar:

ClinVar aggregate classification (germline): Uncertain significance (1 of 4 stars; one submission).

Conditions:
Hereditary cancer-predisposing syndrome. Also called: Neoplastic Syndromes, Hereditary; Tumor predisposition; Hereditary Cancer Syndrome; Hereditary neoplastic syndrome. Identifiers: Orphanet 140162, MedGen C0027672, MeSH D009386, MONDO:0015356.

Submission:

Ambry Genetics
Classification: Uncertain significance for Hereditary cancer-predisposing syndrome. Last evaluated: 2026-04-12. Review status: criteria provided, single submitter. Criteria: Ambry Variant Classification Scheme 2023. Collection method: clinical testing. Allele origin: germline.
Comment: The p.L198P variant (also known as c.593T>C), located in coding exon 2 of the BLM gene, results from a T to C substitution at nucleotide position 593. The leucine at codon 198 is replaced by proline, an amino acid with similar properties. This amino acid position is conserved. In addition, this alteration is predicted to be tolerated by in silico analysis. Based on the available evidence, the clinical significance of this variant remains unclear.

NM_000057.4(BLM):c.593T>C (p.Leu198Pro)

Gene: BLM (BLM RecQ like helicase; plus strand). Cytogenetic location: 15q26.1.
Variant type: single nucleotide variant.
Coding change: c.593T>C on transcript NM_000057.4 (MANE Select); coding-DNA position 593, T replaced by C.
Protein change: p.Leu198Pro; replaces leucine 198 with proline.
Molecular consequence: missense variant. On other transcripts: 5 prime UTR variant (1).
Genome position (GRCh38, 1-based): chr15:90,749,861, T>C. VCF-style: chr15-90749861-T-C. GRCh37 (hg19) VCF-style: chr15-91293091-T-C.
Other names: c.593T>C, p.Leu198Pro (NM_001287246.2, NM_001287247.2); c.-699T>C (NM_001287248.2); short protein forms L198P.
Identifiers: ClinVar variation 4867486 (VCV004867486.1).